The following is an entry in ClinVar:

NM_024675.4(PALB2):c.-2C>T

Gene: PALB2 (partner and localizer of BRCA2; minus strand). Cytogenetic location: 16p12.2.
Variant type: single nucleotide variant.
Coding change: c.-2C>T on transcript NM_024675.4 (MANE Select); 2 bases upstream of the start codon, C replaced by T.
Molecular consequence: 5 prime UTR variant.
Genome position (GRCh38, 1-based): chr16:23,641,159, G>A on the plus strand (C>T on the coding strand, the complement: PALB2 is on the minus strand). VCF-style: chr16-23641159-G-A. GRCh37 (hg19) VCF-style: chr16-23652480-G-A.
Other names: c.-2C>T (NM_001407296.1, NM_001407297.1, NM_001407298.1 and 5 more transcripts); c.-1745C>T (NM_001407304.1, NM_001407310.1); c.-1021C>T (NM_001407305.1, NM_001407307.1, NM_001407309.1 and 1 more transcripts); c.-870C>T (NM_001407306.1, NM_001407308.1); c.-154C>T (NM_001407312.1, NM_001407313.1).
Identifiers: ClinVar variation 141643 (VCV000141643.14), dbSNP rs587781902, ClinGen allele CA166022.

ClinVar aggregate classification (germline): Uncertain significance. Review status: criteria provided, multiple submitters, no conflicts (2 of 4 stars). 6 submissions from 6 submitters: Uncertain significance (5). 1 of the submissions does not count toward it. Last evaluated 2024-11-07.

Conditions:
Hereditary cancer-predisposing syndrome. Also called: Neoplastic Syndromes, Hereditary; Tumor predisposition; Hereditary Cancer Syndrome; Hereditary neoplastic syndrome. Identifiers: Orphanet 140162, MedGen C0027672, MeSH D009386, MONDO:0015356.

Allele frequency attached by ClinVar (database versions not stated): gnomAD exomes below 0.00001 and 0.00002; TOPMed 0.00001.

Submissions (6):

Ambry Genetics
Classification: Uncertain significance for Hereditary cancer-predisposing syndrome. Last evaluated: 2024-11-07. Review status: criteria provided, single submitter. Criteria: Ambry Variant Classification Scheme 2023. Collection method: clinical testing. Allele origin: germline.
Comment: The c.-2C>T variant is located in the 5' untranslated region (5&rsquo; UTR) of the PALB2 gene. This variant results from a C to T substitution 2 bases upstream from the first translated codon. This nucleotide position is not well conserved in available vertebrate species. Since supporting evidence is limited at this time, the clinical significance of this alteration remains unclear.

GeneDx
Classification: Uncertain significance. Last evaluated: 2023-12-14. Review status: criteria provided, single submitter. Criteria: GeneDx Variant Classification Process June 2021. Collection method: clinical testing. Allele origin: germline. Affected: yes.
Comment: Alters the Kozak sequence, which plays a major role in the initiation of translation; Nucleotide is not conserved across species and the substitution has no predicted effect on splicing; Not observed at significant frequency in large population cohorts (gnomAD); Has not been previously published as pathogenic or benign to our knowledge

Quest Diagnostics Nichols Institute San Juan Capistrano
Classification: Uncertain significance. Last evaluated: 2023-02-17. Review status: criteria provided, single submitter. Criteria: Quest Diagnostics criteria. Collection method: clinical testing. Allele origin: unknown.
Comment: To the best of our knowledge, the variant has not been reported in the published literature. The frequency of this variant in the general population, 0.00012 (4/34334 chromosomes), is uninformative in assessment of its pathogenicity. Analysis of this variant using software algorithms for the prediction of the effect of nucleotide changes on splicing yielded predictions that this variant does not affect PALB2 mRNA splicing . Based on the available information, we are unable to determine the clinical significance of this variant.

Color Diagnostics, LLC DBA Color Health
Classification: Uncertain significance for Hereditary cancer-predisposing syndrome. Last evaluated: 2021-08-06. Review status: criteria provided, single submitter. Criteria: ACMG Guidelines, 2015. Collection method: clinical testing. Allele origin: germline.
Comment: This variant is located in the 5' untranslated region in the PALB2 gene. To our knowledge, functional studies have not been reported for this variant. This variant has not been reported in individuals affected with hereditary cancer in the literature. This variant has been identified in 4/245788 chromosomes in the general population by the Genome Aggregation Database (gnomAD). The available evidence is insufficient to determine the role of this variant in disease conclusively. Therefore, this variant is classified as a Variant of Uncertain Significance.

Sema4
Classification: Uncertain significance for Hereditary cancer-predisposing syndrome. Last evaluated: 2021-06-28. Review status: criteria provided, single submitter. Criteria: Sema4 Curation Guidelines. Collection method: curation. Allele origin: germline.
Comment: The PALB2 c.-2C>T variant has not been reported in the literature to our knowledge. The variant is located in the 5' untranslated region of the PALB2 gene. This nucleotide position is not well conserved in available vertebrate species. It was observed in 4/34334 chromosomes in the Latino subpopulation by the Genome Aggregation Database (PMID: 32461654). The variant has been reported in ClinVar (Variation ID:141643). The evidence is insufficient to meet ACMG/AMP criteria for classifying the variant as benign or pathogenic. Thus, the clinical significance of this variant is currently uncertain.

Department of Pathology and Laboratory Medicine, Sinai Health System
Classification: Uncertain significance. Review status: no assertion criteria provided. Collection method: clinical testing. Allele origin: unknown. Affected: yes. Study: The Canadian Open Genetics Repository (COGR). Not counted in ClinVar's aggregate classification.
Comment: The PALB2 c.-2C>T variant was not identified in the literature nor was it identified in the Cosmic, MutDB, LOVD 3.0, Zhejiang Colon Cancer Database, databases. The variant was identified in dbSNP (ID: rs587781902) as With Uncertain significance allele, ClinVar (classified as uncertain significance by Ambry Genetics), databases. The variant was identified in control databases in 4 of 240920 chromosomes at a frequency of 0.00002 increasing the likelihood that this may be a low frequency benign variant in certain populations of origin (Genome Aggregation Consortium Feb 27, 2017). The c.-2C>T variant is predicted to cause abnormal splicing because the nucleotide substitution occurs in the invariant region of the splice consensus sequence. However, in silico or computational prediction software programs (SpliceSiteFinder, MaxEntScan, NNSPLICE, GeneSplicer, HumanSpliceFinder) do not predict a difference in splicing. In summary, based on the above information, the clinical significance of this variant cannot be determined with certainty at this time. This variant is classified as a variant of uncertain significance.